The following is an entry in ClinVar:

ClinVar aggregate classification (germline): Uncertain significance. Review status: criteria provided, multiple submitters, no conflicts (2 of 4 stars). 3 submissions from 3 submitters: Uncertain significance (3). Last evaluated 2024-10-24.

Conditions:
Focal segmental glomerulosclerosis 4, susceptibility to (FSGS4). Identifiers: Orphanet 84271, MedGen C2675525, MONDO:0012931, OMIM 612551.

Allele frequency attached by ClinVar (database versions not stated): gnomAD exomes 0.00009; TOPMed 0.00009; gnomAD 0.00011; ExAC 0.00015.
gnomAD v4.1: 152 of 1,609,166 alleles (0.0094%); highest among the groups gnomAD compares: South Asian, 0.05%; no homozygotes.

Submissions (3):

Labcorp Genetics (formerly Invitae), Labcorp
Classification: Uncertain significance. Last evaluated: 2024-10-24. Review status: criteria provided, single submitter. Criteria: Invitae Variant Classification Sherloc (09022015). Collection method: clinical testing. Allele origin: germline.
Comment: This sequence change replaces leucine, which is neutral and non-polar, with valine, which is neutral and non-polar, at codon 286 of the APOL1 protein (p.Leu286Val). This variant is present in population databases (rs755351451, gnomAD 0.03%). This variant has not been reported in the literature in individuals affected with APOL1-related conditions. ClinVar contains an entry for this variant (Variation ID: 2185252). An algorithm developed to predict the effect of missense changes on protein structure and function (PolyPhen-2) suggests that this variant¬†is likely to be tolerated. In summary, the available evidence is currently insufficient to determine the role of this variant in disease. Therefore, it has been classified as a Variant of Uncertain Significance.

Fulgent Genetics
Classification: Uncertain significance for Focal segmental glomerulosclerosis 4, susceptibility to. Last evaluated: 2024-03-13. Review status: criteria provided, single submitter. Criteria: ACMG Guidelines, 2015. Collection method: clinical testing. Allele origin: germline.

Ambry Genetics
Classification: Uncertain significance. Last evaluated: 2023-12-17. Review status: criteria provided, single submitter. Criteria: Ambry Variant Classification Scheme 2023. Collection method: clinical testing. Allele origin: germline.

NM_003661.4(APOL1):c.856C>G (p.Leu286Val)

Gene: APOL1 (apolipoprotein L1; plus strand). Cytogenetic location: 22q12.3.
Variant type: single nucleotide variant.
Coding change: c.856C>G on transcript NM_003661.4 (MANE Select); coding-DNA position 856, C replaced by G.
Protein change: p.Leu286Val; replaces leucine 286 with valine.
Molecular consequence: missense variant.
Genome position (GRCh38, 1-based): chr22:36,265,692, C>G. VCF-style: chr22-36265692-C-G. GRCh37 (hg19) VCF-style: chr22-36661738-C-G.
Other names: c.856C>G (NM_003661.3); c.856C>G, p.Leu286Val (NM_001136540.2); c.802C>G, p.Leu268Val (NM_001136541.2, NM_001362927.2); c.904C>G, p.Leu302Val (NM_145343.3); short protein forms L268V, L286V, L302V.
Identifiers: ClinVar variation 2185252 (VCV002185252.5), dbSNP rs755351451, ClinGen allele CA10208768.